The following is an entry in ClinVar:

ClinVar aggregate classification (germline): Conflicting classifications of pathogenicity. Review status: criteria provided, conflicting classifications (1 of 4 stars). 2 submissions from 2 submitters: Likely pathogenic (1); Uncertain significance (1). Last evaluated 2026-09-08.

Conditions:
Cardiovascular phenotype. Identifiers: MedGen CN230736.
RASopathy. Also called: rasopathies; Noonan spectrum disorder. Identifiers: Orphanet 536391, MedGen C5555857, MONDO:0021060.

Submissions (2):

Ambry Genetics
Classification: Likely pathogenic for Cardiovascular phenotype. Last evaluated: 2026-09-08. Review status: criteria provided, single submitter. Criteria: Ambry Variant Classification Scheme 2023. Collection method: clinical testing. Allele origin: germline.
Comment: The c.1151G>T (p.C384F) alteration is located in exon 8 (coding exon 8) of the CBL gene. This alteration results from a G to T substitution at nucleotide position 1151, causing the cysteine (C) at amino acid position 384 to be replaced by a phenylalanine (F). This variant was not reported in population-based cohorts in the Genome Aggregation Database (gnomAD). Another variant at the same codon, c.1150T>C (p.C384R), has been identified in individuals with features consistent with CBL-related RASopathy spectrum (Niemeyer, 2010; Zeng, 2019; Cardoso, 2021). This amino acid position is highly conserved in available vertebrate species. This alteration is predicted to be deleterious by in silico analysis. Based on the available evidence, this alteration is classified as likely pathogenic.

Labcorp Genetics (formerly Invitae), Labcorp
Classification: Uncertain significance for RASopathy. Last evaluated: 2025-01-12. Review status: criteria provided, single submitter. Criteria: Invitae Variant Classification Sherloc (09022015). Collection method: clinical testing. Allele origin: germline.
Comment: This sequence change replaces cysteine, which is neutral and slightly polar, with phenylalanine, which is neutral and non-polar, at codon 384 of the CBL protein (p.Cys384Phe). This variant is not present in population databases (gnomAD no frequency). This variant has not been reported in the literature in individuals affected with CBL-related conditions. Invitae Evidence Modeling of protein sequence and biophysical properties (such as structural, functional, and spatial information, amino acid conservation, physicochemical variation, residue mobility, and thermodynamic stability) indicates that this missense variant is expected to disrupt CBL protein function with a positive predictive value of 95%. In summary, the available evidence is currently insufficient to determine the role of this variant in disease. Therefore, it has been classified as a Variant of Uncertain Significance.

Literature cited by the submitters: PubMed 20694012 (cited by Ambry Genetics); PubMed 31014430 (cited by Ambry Genetics); PubMed 34026204 (cited by Ambry Genetics).

NM_005188.4(CBL):c.1151G>T (p.Cys384Phe)

Gene: CBL (Cbl proto-oncogene; plus strand). Cytogenetic location: 11q23.3.
Variant type: single nucleotide variant.
Coding change: c.1151G>T on transcript NM_005188.4 (MANE Select); coding-DNA position 1151, G replaced by T.
Protein change: p.Cys384Phe; replaces cysteine 384 with phenylalanine.
Molecular consequence: missense variant.
Genome position (GRCh38, 1-based): chr11:119,278,221, G>T. VCF-style: chr11-119278221-G-T. GRCh37 (hg19) VCF-style: chr11-119148931-G-T.
Other names: c.1151G>T (NM_005188.2); short protein forms C384F.
Identifiers: ClinVar variation 3634388 (VCV003634388.3).